The following is an entry in ClinVar:

ClinVar aggregate classification (germline): Pathogenic (1 of 4 stars; one submission).

Submission:

Quest Diagnostics Nichols Institute San Juan Capistrano
Classification: Pathogenic. Last evaluated: 2023-05-06. Review status: criteria provided, single submitter. Criteria: ACMG/ClinGen CNV Guidelines, 2019. Collection method: clinical testing. Allele origin: unknown.
Comment: The copy number gain of 21q21.1q21.3 involves numerous protein-coding genes, including APP (OMIM 104760). Heterozygous duplications of APP have been reported to associate with cerebral amyloid angiopathy, or cerebroarterial amyloidosis (CAA) and with early myoclonic epilepsy (Llado 2014). In addition, heterozygous missense variants as well as duplications of APP have been associated with autosomal dominant familial Alzheimer disease 1 (OMIM 104300, Antonell 2012, Hooli 2012). There are no similar copy number gains of this region in the general populations of the Database of Genomic Variants. Therefore, based on current medical literature and gene content, this copy number variant (CNV) is classified as pathogenic. References: Antonell et al., J Alzheimers Dis. 2012;28(2):303-8. PMID: 22008262 Hooli et al., Neurology. 2012 Apr 17;78(16):1250-7. PMID: 22491860 Llado et al., Neurogenetics. 2014 May;15(2):145-9. PMID: 24691562

GRCh37/hg19 21q21.1-21.3(chr21:21437700-30474088)x3

Genes: ADAMTS1 (ADAM metallopeptidase with thrombospondin type 1 motif 1; minus strand), ADAMTS5 (ADAM metallopeptidase with thrombospondin type 1 motif 5; minus strand), APP (amyloid beta precursor protein; minus strand), ATP5PF (ATP synthase peripheral stalk subunit F6; minus strand), CCT8 (chaperonin containing TCP1 subunit 8; minus strand) and 11 more. Cytogenetic location: 21q21.1-21.3.
Variant type: copy number gain.
Change: copy number 3 (three copies instead of two) of chr21:21,437,700-30,474,088 (9.04 Mb, GRCh37 coordinates, 1-based), cytogenetic band 21q21.1-21.3.
Identifiers: ClinVar variation 2684913 (VCV002684913.1).